The following is an entry in ClinVar:

ClinVar aggregate classification (germline): Uncertain significance (1 of 4 stars; one submission).

Conditions:
Autosomal recessive cerebellar ataxia-saccadic intrusion syndrome. Also called: VPS13D Movement Disorder; SPINOCEREBELLAR ATAXIA 24. Identifiers: Orphanet 95434, MedGen C1846492, MONDO:0011811, OMIM 607317.

Allele frequency attached by ClinVar (database versions not stated): ExAC 0.00002; TOPMed 0.00006; gnomAD 0.00009; ESP Exome Variant Server 0.00015.
gnomAD v4.1: 20 of 1,613,956 alleles (0.0012%); highest among the groups gnomAD compares: African/African-American, 0.025%; no homozygotes.

Submission:

Labcorp Genetics (formerly Invitae), Labcorp
Classification: Uncertain significance. Last evaluated: 2024-04-22. Review status: criteria provided, single submitter. Criteria: Invitae Variant Classification Sherloc (09022015). Collection method: clinical testing. Allele origin: germline.
Comment: This sequence change replaces arginine, which is basic and polar, with serine, which is neutral and polar, at codon 1934 of the VPS13D protein (p.Arg1934Ser). This variant is present in population databases (rs150402706, gnomAD 0.02%). This variant has not been reported in the literature in individuals affected with VPS13D-related conditions. ClinVar contains an entry for this variant (Variation ID: 1903454). Advanced modeling of protein sequence and biophysical properties (such as structural, functional, and spatial information, amino acid conservation, physicochemical variation, residue mobility, and thermodynamic stability) performed at Invitae indicates that this missense variant is not expected to disrupt VPS13D protein function with a negative predictive value of 80%. In summary, the available evidence is currently insufficient to determine the role of this variant in disease. Therefore, it has been classified as a Variant of Uncertain Significance.

NM_015378.4(VPS13D):c.5802A>C (p.Arg1934Ser)

Gene: VPS13D (vacuolar protein sorting 13 homolog D; plus strand). Cytogenetic location: 1p36.22.
Variant type: single nucleotide variant.
Coding change: c.5802A>C on transcript NM_015378.4 (MANE Select); coding-DNA position 5802, A replaced by C.
Protein change: p.Arg1934Ser; replaces arginine 1934 with serine.
Molecular consequence: missense variant.
Genome position (GRCh38, 1-based): chr1:12,291,074, A>C. VCF-style: chr1-12291074-A-C. GRCh37 (hg19) VCF-style: chr1-12351131-A-C.
Other names: c.5802A>C, p.Arg1934Ser (NM_018156.4); c.5802A>C (NM_015378.3); short protein forms R1934S.
Identifiers: ClinVar variation 1903454 (VCV001903454.5), dbSNP rs150402706, ClinGen allele CA602424.